The following is an entry in ClinVar:

NM_002439.5(MSH3):c.3345T>G (p.Asn1115Lys)

Gene: MSH3 (mutS homolog 3; plus strand). Cytogenetic location: 5q14.1.
Variant type: single nucleotide variant.
Coding change: c.3345T>G on transcript NM_002439.5 (MANE Select); coding-DNA position 3345, T replaced by G.
Protein change: p.Asn1115Lys; replaces asparagine 1115 with lysine.
Molecular consequence: missense variant.
Genome position (GRCh38, 1-based): chr5:80,875,793, T>G. VCF-style: chr5-80875793-T-G. GRCh37 (hg19) VCF-style: chr5-80171612-T-G.
Other names: short protein forms N1115K.
Identifiers: ClinVar variation 1730460 (VCV001730460.7), dbSNP rs1389882507, ClinGen allele CA360347360.

ClinVar aggregate classification (germline): Uncertain significance. Review status: criteria provided, multiple submitters, no conflicts (2 of 4 stars). 2 submissions from 2 submitters: Uncertain significance (2). Last evaluated 2023-12-16.

Conditions:
Hereditary cancer-predisposing syndrome. Also called: Neoplastic Syndromes, Hereditary; Tumor predisposition; Hereditary Cancer Syndrome; Hereditary neoplastic syndrome. Identifiers: Orphanet 140162, MedGen C0027672, MeSH D009386, MONDO:0015356.

Submissions (2):

Labcorp Genetics (formerly Invitae), Labcorp
Classification: Uncertain significance. Last evaluated: 2023-12-16. Review status: criteria provided, single submitter. Criteria: Invitae Variant Classification Sherloc (09022015). Collection method: clinical testing. Allele origin: germline.
Comment: This sequence change replaces asparagine, which is neutral and polar, with lysine, which is basic and polar, at codon 1115 of the MSH3 protein (p.Asn1115Lys). This variant is not present in population databases (gnomAD no frequency). This variant has not been reported in the literature in individuals affected with MSH3-related conditions. ClinVar contains an entry for this variant (Variation ID: 1730460). An algorithm developed to predict the effect of missense changes on protein structure and function (PolyPhen-2) suggests that this variant is likely to be tolerated. In summary, the available evidence is currently insufficient to determine the role of this variant in disease. Therefore, it has been classified as a Variant of Uncertain Significance.

Ambry Genetics
Classification: Uncertain significance for Hereditary cancer-predisposing syndrome. Last evaluated: 2021-07-12. Review status: criteria provided, single submitter. Criteria: Ambry Variant Classification Scheme 2023. Collection method: clinical testing. Allele origin: germline.
Comment: The p.N1115K variant (also known as c.3345T>G), located in coding exon 24 of the MSH3 gene, results from a T to G substitution at nucleotide position 3345. The asparagine at codon 1115 is replaced by lysine, an amino acid with similar properties. This amino acid position is conserved. In addition, this alteration is predicted to be tolerated by in silico analysis. Since supporting evidence is limited at this time, the clinical significance of this alteration remains unclear.